The following is an entry in ClinVar:

ClinVar aggregate classification (germline): Uncertain significance (1 of 4 stars; one submission).

Submission:

Labcorp Genetics (formerly Invitae), Labcorp
Classification: Uncertain significance. Last evaluated: 2025-08-11. Review status: criteria provided, single submitter. Criteria: Invitae Variant Classification Sherloc (09022015). Collection method: clinical testing. Allele origin: germline.
Comment: This sequence change replaces leucine, which is neutral and non-polar, with proline, which is neutral and non-polar, at codon 32 of the ATP2A2 protein (p.Leu32Pro). This variant is not present in population databases (gnomAD no frequency). This missense change has been observed in individual(s) with Darier disease (PMID: 21519848). Invitae Evidence Modeling of protein sequence and biophysical properties (such as structural, functional, and spatial information, amino acid conservation, physicochemical variation, residue mobility, and thermodynamic stability) indicates that this missense variant is not expected to disrupt ATP2A2 protein function with a negative predictive value of 80%. In summary, the available evidence is currently insufficient to determine the role of this variant in disease. Therefore, it has been classified as a Variant of Uncertain Significance.

Literature cited by the submitters: PubMed 21519848.

NM_170665.4(ATP2A2):c.95T>C (p.Leu32Pro)

Gene: ATP2A2 (ATPase sarcoplasmic/endoplasmic reticulum Ca2+ transporting 2; plus strand). Cytogenetic location: 12q24.11.
Variant type: single nucleotide variant.
Coding change: c.95T>C on transcript NM_170665.4 (MANE Select); coding-DNA position 95, T replaced by C.
Protein change: p.Leu32Pro; replaces leucine 32 with proline.
Molecular consequence: missense variant. On other transcripts: intron variant (1).
Genome position (GRCh38, 1-based): chr12:110,281,884, T>C. VCF-style: chr12-110281884-T-C. GRCh37 (hg19) VCF-style: chr12-110719689-T-C.
Other names: c.95T>C, p.Leu32Pro (NM_001413013.1, NM_001413014.1, NM_001681.4); c.-257-720T>C (NM_001413015.1); short protein forms L32P.
Identifiers: ClinVar variation 4710032 (VCV004710032.1).
Genomic context (GRCh38, chr12:110,281,884, plus strand): 5'-TGCTGGGCCACTTCGGCGTCAACGAGAGTACGGGGCTGAGCCTGGAACAGGTCAAGAAGC[T>C]TAAGGAGAGATGGGGCTCCAACGGTAGGTGCAGGGCGCTCCGCTGCAGGGGCCCGGCGCG-3'
Protein context (NP_733765.1, residues 22-42): TGLSLEQVKK[Leu32Pro]KERWGSNELP